The following is an entry in ClinVar:

NM_012417.4(PITPNC1):c.463-5T>C

Gene: PITPNC1 (phosphatidylinositol transfer protein cytoplasmic 1; plus strand). Cytogenetic location: 17q24.2.
Variant type: single nucleotide variant.
Coding change: c.463-5T>C on transcript NM_012417.4 (MANE Select); 5 bases into the intron before coding-DNA position 463, T replaced by C.
Molecular consequence: intron variant.
Genome position (GRCh38, 1-based): chr17:67,669,503, T>C. VCF-style: chr17-67669503-T-C. GRCh37 (hg19) VCF-style: chr17-65665619-T-C.
Other names: c.463-5T>C (NM_181671.3).
Identifiers: ClinVar variation 3905040 (VCV003905040.10).

ClinVar aggregate classification (germline): Likely benign (1 of 4 stars; one submission).

gnomAD v4.1: 4,600 of 1,504,280 alleles (0.31%); highest among the groups gnomAD compares: Admixed American, 0.41%; 13 homozygotes.

Submission:

CeGaT Center for Human Genetics Tuebingen
Classification: Likely benign. Last evaluated: 2025-05-01. Review status: criteria provided, single submitter. Criteria: CeGaT Center For Human Genetics Tuebingen Variant Classification Criteria Version 2. Collection method: clinical testing. Allele origin: germline. Affected: yes. Observed: 1 variant allele.
Comment: PITPNC1: BP4, BS2